The following is an entry in ClinVar:

NM_000334.4(SCN4A):c.4351C>T (p.Arg1451Cys)

Genes: GH-LCR (growth hormone locus control region; plus strand), SCN4A (sodium voltage-gated channel alpha subunit 4; minus strand). Cytogenetic location: 17q23.3.
Variant type: single nucleotide variant.
Coding change: c.4351C>T on transcript NM_000334.4 (MANE Select); coding-DNA position 4351, C replaced by T.
Protein change: p.Arg1451Cys; replaces arginine 1451 with cysteine.
Molecular consequence: missense variant.
Genome position (GRCh38, 1-based): chr17:63,941,931, G>A on the plus strand (C>T on the coding strand, the complement: SCN4A is on the minus strand). VCF-style: chr17-63941931-G-A. GRCh37 (hg19) VCF-style: chr17-62019291-G-A.
Other names: short protein forms R1451C.
Identifiers: ClinVar variation 1938919 (VCV001938919.3), dbSNP rs367960721, ClinGen allele CA8708989.

ClinVar aggregate classification (germline): Conflicting classifications of pathogenicity. Review status: criteria provided, conflicting classifications (1 of 4 stars). 2 submissions from 2 submitters: Likely pathogenic (1); Uncertain significance (1). Last evaluated 2024-06-05.

Conditions:
Hypokalemic periodic paralysis, type 2 (HOKPP2). Identifiers: Orphanet 681, MedGen C2750061, MONDO:0013234, OMIM 613345.
Congenital myopathy 22A, classic (CMYO22A). Identifiers: MedGen C5830453, MONDO:0957247, OMIM 620351.
Paramyotonia congenita of Von Eulenburg. Also called: PARALYSIS PERIODICA PARAMYOTONICA; Paramyotonia Congenita; Eulenburg disease; Myotonia congenita intermittens; Von Eulenburg paramyotonia congenita. Identifiers: Orphanet 684, MedGen C0221055, MONDO:0008195, OMIM 168300. Disease mechanism: loss of function.
Hyperkalemic periodic paralysis. Also called: Gamstorp disease; Familial hyperkalemic periodic paralysis. Identifiers: Orphanet 682, MedGen C0238357, MONDO:0008224, OMIM 170500, HP:0007215.
Potassium-aggravated myotonia. Also called: Myotonia congenita, atypical, acetazolamide-responsive; MYOTONIA CONGENITA, ACETAZOLAMIDE-RESPONSIVE; MYOTONIA CONGENITA, ATYPICAL; SODIUM CHANNEL MUSCLE DISEASE. Identifiers: Orphanet 612, Orphanet 99734, Orphanet 99735, Orphanet 99736, MedGen C2931826, MONDO:0018959, OMIM 608390.
Congenital myopathy 22B, severe fetal (CMYO22B). Identifiers: MedGen C5830501, MONDO:0957265, OMIM 620369.
Congenital myasthenic syndrome 16. Identifiers: Orphanet 590, MedGen C3280112, MONDO:0013620, OMIM 614198.

Allele frequency attached by ClinVar (database versions not stated): ExAC 0.00002; ESP Exome Variant Server 0.00015; gnomAD 0.00003; gnomAD exomes 0.00003; TOPMed 0.00003.
gnomAD v4.1: 43 of 1,608,726 alleles (0.0027%); highest among the groups gnomAD compares: African/African-American, 0.008%; no homozygotes.

Submissions (2):

Fulgent Genetics
Classification: Likely pathogenic for Paramyotonia congenita of Von Eulenburg; Hyperkalemic periodic paralysis; Potassium-aggravated myotonia; Hypokalemic periodic paralysis, type 2; Congenital myasthenic syndrome 16; Congenital myopathy 22A, classic; Congenital myopathy 22B, severe fetal. Last evaluated: 2024-06-05. Review status: criteria provided, single submitter. Criteria: ACMG Guidelines, 2015. Collection method: clinical testing. Allele origin: germline.

Labcorp Genetics (formerly Invitae), Labcorp
Classification: Uncertain significance for Hyperkalemic periodic paralysis. Last evaluated: 2022-10-09. Review status: criteria provided, single submitter. Criteria: Invitae Variant Classification Sherloc (09022015). Collection method: clinical testing. Allele origin: germline.
Comment: This sequence change replaces arginine, which is basic and polar, with cysteine, which is neutral and slightly polar, at codon 1451 of the SCN4A protein (p.Arg1451Cys). The frequency data for this variant in the population databases is considered unreliable, as metrics indicate poor data quality at this position in the gnomAD database. This missense change has been observed in individual(s) with SCN4A-related conditions (PMID: 19201608). Advanced modeling of protein sequence and biophysical properties (such as structural, functional, and spatial information, amino acid conservation, physicochemical variation, residue mobility, and thermodynamic stability) performed at Invitae indicates that this missense variant is expected to disrupt SCN4A protein function. Experimental studies have shown that this missense change affects SCN4A function (PMID: 29391559). This variant disrupts the p.Arg1451 amino acid residue in SCN4A. Other variant(s) that disrupt this residue have been determined to be pathogenic (PMID: 29391559, 29946067). This suggests that this residue is clinically significant, and that variants that disrupt this residue are likely to be disease-causing. In summary, the available evidence is currently insufficient to determine the role of this variant in disease. Therefore, it has been classified as a Variant of Uncertain Significance.

Literature cited by the submitters: PubMed 19201608 (cited by Labcorp Genetics (formerly Invitae), Labcorp); PubMed 29391559 (cited by Labcorp Genetics (formerly Invitae), Labcorp); PubMed 29946067 (cited by Labcorp Genetics (formerly Invitae), Labcorp).